The following is an entry in ClinVar:

NM_002972.4(SBF1):c.4762A>G (p.Lys1588Glu)

Gene: SBF1 (SET binding factor 1; minus strand). Cytogenetic location: 22q13.33.
Variant type: single nucleotide variant.
Coding change: c.4762A>G on transcript NM_002972.4 (MANE Select); coding-DNA position 4762, A replaced by G.
Protein change: p.Lys1588Glu; replaces lysine 1588 with glutamic acid.
Molecular consequence: missense variant.
Genome position (GRCh38, 1-based): chr22:50,454,864, T>C on the plus strand (A>G on the coding strand, the complement: SBF1 is on the minus strand). VCF-style: chr22-50454864-T-C. GRCh37 (hg19) VCF-style: chr22-50893293-T-C.
Other names: c.4687A>G, p.Lys1563Glu (NM_001365819.1); short protein forms K1563E, K1588E.
Identifiers: ClinVar variation 1508468 (VCV001508468.5), dbSNP rs199795851, ClinGen allele CA10316137.

ClinVar aggregate classification (germline): Uncertain significance. Review status: criteria provided, multiple submitters, no conflicts (2 of 4 stars). 2 submissions from 2 submitters: Uncertain significance (2). Last evaluated 2025-12-29.

Allele frequency attached by ClinVar (database versions not stated): gnomAD exomes 0.00002 and 0.00001; ExAC 0.00002.
gnomAD v4.1: 18 of 1,614,080 alleles (0.0011%); highest among the groups gnomAD compares: Admixed American, 0.005%; no homozygotes.

Submissions (2):

Women's Health and Genetics/Laboratory Corporation of America, LabCorp
Classification: Uncertain significance. Last evaluated: 2025-12-29. Review status: criteria provided, single submitter. Criteria: LabCorp Variant Classification Summary - May 2015. Collection method: clinical testing. Allele origin: germline.
Comment: Variant summary: SBF1 c.4762A>G (p.Lys1588Glu) results in a conservative amino acid change in the encoded protein sequence. Algorithms developed to predict the effect of missense changes on protein structure and function are either unavailable or do not agree on the potential impact of this missense change. The variant allele was found at a frequency of 1.6e-05 in 249266 control chromosomes. The available data on variant occurrences in the general population are insufficient to allow any conclusion about variant significance. To our knowledge, no occurrence of c.4762A>G in individuals affected with SBF1-related conditions and no experimental evidence demonstrating its impact on protein function have been reported. ClinVar contains an entry for this variant (Variation ID: 1508468). Based on the evidence outlined above, the variant was classified as uncertain significance.

Labcorp Genetics (formerly Invitae), Labcorp
Classification: Uncertain significance. Last evaluated: 2023-07-10. Review status: criteria provided, single submitter. Criteria: Invitae Variant Classification Sherloc (09022015). Collection method: clinical testing. Allele origin: germline.
Comment: In summary, the available evidence is currently insufficient to determine the role of this variant in disease. Therefore, it has been classified as a Variant of Uncertain Significance. This sequence change replaces lysine, which is basic and polar, with glutamic acid, which is acidic and polar, at codon 1588 of the SBF1 protein (p.Lys1588Glu). This variant is present in population databases (rs199795851, gnomAD 0.006%). This variant has not been reported in the literature in individuals affected with SBF1-related conditions. ClinVar contains an entry for this variant (Variation ID: 1508468). Advanced modeling of protein sequence and biophysical properties (such as structural, functional, and spatial information, amino acid conservation, physicochemical variation, residue mobility, and thermodynamic stability) performed at Invitae indicates that this missense variant is not expected to disrupt SBF1 protein function.